The following is an entry in ClinVar:

ClinVar aggregate classification (germline): Uncertain significance (1 of 4 stars; one submission).

gnomAD v4.1: 1 of 1,614,180 alleles (0.000062%); no homozygotes.

Submission:

CeGaT Center for Human Genetics Tuebingen
Classification: Uncertain significance. Last evaluated: 2023-04-01. Review status: criteria provided, single submitter. Criteria: CeGaT Center For Human Genetics Tuebingen Variant Classification Criteria Version 2. Collection method: clinical testing. Allele origin: germline. Affected: yes. Observed: 1 variant allele.
Comment: DNAJB5: PM2, PP2

NM_001349723.3(DNAJB5):c.614A>G (p.Glu205Gly)

Gene: DNAJB5 (DnaJ heat shock protein family (Hsp40) member B5; plus strand). Cytogenetic location: 9p13.3.
Variant type: single nucleotide variant.
Coding change: c.614A>G on transcript NM_001349723.3 (MANE Select); coding-DNA position 614, A replaced by G.
Protein change: p.Glu205Gly; replaces glutamic acid 205 with glycine.
Molecular consequence: missense variant.
Genome position (GRCh38, 1-based): chr9:34,996,451, A>G. VCF-style: chr9-34996451-A-G. GRCh37 (hg19) VCF-style: chr9-34996448-A-G.
Other names: c.500A>G, p.Glu167Gly (NM_001135004.3, NM_001349725.2); c.614A>G, p.Glu205Gly (NM_001135005.3); c.398A>G, p.Glu133Gly (NM_001349724.2, NM_012266.6); short protein forms E133G, E167G, E205G.
Identifiers: ClinVar variation 2659166 (VCV002659166.24), dbSNP rs2490239899, ClinGen allele CA373273714.
Genomic context (GRCh38, chr9:34,996,451, plus strand): 5'-CCAGCAGCCGCTCCACTCGGCCCTTCAGTGGCTTTGACCCAGATGACATGGATGTGGATG[A>G]AGATGAGGACCCATTTGGCGCTTTCGGCCGTTTTGGCTTCAATGGGCTGAGTAGGGGTCC-3'
Protein context (NP_001336652.1, residues 195-215): GFDPDDMDVD[Glu205Gly]DEDPFGAFGR